The following is an entry in ClinVar:

ClinVar aggregate classification (germline): Uncertain significance (1 of 4 stars; one submission).

Conditions:
Hereditary cancer-predisposing syndrome. Also called: Neoplastic Syndromes, Hereditary; Tumor predisposition; Hereditary Cancer Syndrome; Hereditary neoplastic syndrome. Identifiers: Orphanet 140162, MedGen C0027672, MeSH D009386, MONDO:0015356.

Submission:

Ambry Genetics
Classification: Uncertain significance for Hereditary cancer-predisposing syndrome. Last evaluated: 2025-12-17. Review status: criteria provided, single submitter. Criteria: Ambry Variant Classification Scheme 2023. Collection method: clinical testing. Allele origin: germline.
Comment: The p.Y929N variant (also known as c.2785T>A), located in coding exon 19 of the TSC1 gene, results from a T to A substitution at nucleotide position 2785. The tyrosine at codon 929 is replaced by asparagine, an amino acid with dissimilar properties. This amino acid position is conserved. In addition, the in silico prediction for this alteration is inconclusive. Based on the available evidence, the clinical significance of this variant remains unclear.

NM_000368.5(TSC1):c.2785T>A (p.Tyr929Asn)

Gene: TSC1 (TSC complex subunit 1; minus strand). Cytogenetic location: 9q34.13.
Variant type: single nucleotide variant.
Coding change: c.2785T>A on transcript NM_000368.5 (MANE Select); coding-DNA position 2785, T replaced by A.
Protein change: p.Tyr929Asn; replaces tyrosine 929 with asparagine.
Molecular consequence: missense variant. On other transcripts: non-coding transcript variant (5).
Genome position (GRCh38, 1-based): chr9:132,897,451, A>T on the plus strand (T>A on the coding strand, the complement: TSC1 is on the minus strand). VCF-style: chr9-132897451-A-T. GRCh37 (hg19) VCF-style: chr9-135772838-A-T.
Other names: c.2782T>A, p.Tyr928Asn (NM_001162426.2, NM_001406597.1, NM_001406598.1 and 2 more transcripts); c.2632T>A, p.Tyr878Asn (NM_001162427.2, NM_001406610.1); c.2422T>A, p.Tyr808Asn (NM_001362177.2, NM_001406614.1, NM_001406615.1 and 4 more transcripts); c.2785T>A, p.Tyr929Asn (NM_001406592.1, NM_001406593.1, NM_001406594.1 and 2 more transcripts); c.2743T>A, p.Tyr915Asn (NM_001406606.1, NM_001406607.1, NM_001406605.1); c.2740T>A, p.Tyr914Asn (NM_001406608.1, NM_001406609.1); c.2629T>A, p.Tyr877Asn (NM_001406611.1, NM_001406612.1); c.2587T>A, p.Tyr863Asn (NM_001406613.1); and 8 more; short protein forms Y808N, Y877N, Y915N, Y924N, Y611N, Y807N, Y929N, Y578N.
Identifiers: ClinVar variation 4841469 (VCV004841469.1).